The following is an entry in ClinVar:

ClinVar aggregate classification (germline): Uncertain significance (1 of 4 stars; one submission).

Conditions:
Malignant hyperthermia, susceptibility to, 5 (MHS5). Also called: CACNA1S-Related Malignant Hyperthermia Susceptibility. Identifiers: Orphanet 423, MedGen C1866077, MONDO:0011163, OMIM 601887.
Hypokalemic periodic paralysis, type 1. Also called: Hypokalemic Periodic Paralysis Type 1 (AD); HypoPP. Identifiers: Orphanet 681, MedGen C3714580, MONDO:0042979, OMIM 170400.

gnomAD v4.1: 3 of 1,610,856 alleles (0.00019%); highest among the groups gnomAD compares: Non-Finnish European, 0.00025%; no homozygotes.

Submission:

Labcorp Genetics (formerly Invitae), Labcorp
Classification: Uncertain significance for Hypokalemic periodic paralysis, type 1; Malignant hyperthermia, susceptibility to, 5. Last evaluated: 2022-06-08. Review status: criteria provided, single submitter. Criteria: Invitae Variant Classification Sherloc (09022015). Collection method: clinical testing. Allele origin: germline.
Comment: This sequence change replaces alanine, which is neutral and non-polar, with glycine, which is neutral and non-polar, at codon 304 of the CACNA1S protein (p.Ala304Gly). This variant is not present in population databases (gnomAD no frequency). This variant has not been reported in the literature in individuals affected with CACNA1S-related conditions. Algorithms developed to predict the effect of missense changes on protein structure and function (SIFT, PolyPhen-2, Align-GVGD) all suggest that this variant is likely to be tolerated. In summary, the available evidence is currently insufficient to determine the role of this variant in disease. Therefore, it has been classified as a Variant of Uncertain Significance.

NM_000069.3(CACNA1S):c.911C>G (p.Ala304Gly)

Gene: CACNA1S (calcium voltage-gated channel subunit alpha1 S; minus strand). Cytogenetic location: 1q32.1.
Variant type: single nucleotide variant.
Coding change: c.911C>G on transcript NM_000069.3 (MANE Select); coding-DNA position 911, C replaced by G.
Protein change: p.Ala304Gly; replaces alanine 304 with glycine.
Molecular consequence: missense variant.
Genome position (GRCh38, 1-based): chr1:201,087,919, G>C on the plus strand (C>G on the coding strand, the complement: CACNA1S is on the minus strand). VCF-style: chr1-201087919-G-C. GRCh37 (hg19) VCF-style: chr1-201057047-G-C.
Other names: short protein forms A304G.
Identifiers: ClinVar variation 2181055 (VCV002181055.1), dbSNP rs750207242, ClinGen allele CA344132786.